The following is an entry in ClinVar:

NM_014233.4(UBTF):c.1506C>G (p.Ala502=)

Genes: ATXN7L3-AS1 (ATXN7L3 antisense RNA 1; plus strand), UBTF (upstream binding transcription factor; minus strand). Cytogenetic location: 17q21.31.
Variant type: single nucleotide variant.
Coding change: c.1506C>G on transcript NM_014233.4 (MANE Select); coding-DNA position 1506, C replaced by G.
Protein change: p.Ala502=; no amino-acid change (alanine 502 retained).
Molecular consequence: synonymous variant. On other transcripts: non-coding transcript variant (1).
Genome position (GRCh38, 1-based): chr17:44,210,327, G>C on the plus strand (C>G on the coding strand, the complement: UBTF is on the minus strand). VCF-style: chr17-44210327-G-C. GRCh37 (hg19) VCF-style: chr17-42287695-G-C.
Other names: c.1395C>G, p.Ala465= (NM_001076683.2, NM_001076684.3).
Identifiers: ClinVar variation 4887691 (VCV004887691.1).

ClinVar aggregate classification (germline): Likely benign (1 of 4 stars; one submission).

gnomAD v4.1: 184 of 1,614,130 alleles (0.011%); highest among the groups gnomAD compares: Non-Finnish European, 0.015%; no homozygotes.

Submission:

Women's Health and Genetics/Laboratory Corporation of America, LabCorp
Classification: Likely benign. Last evaluated: 2026-06-30. Review status: criteria provided, single submitter. Criteria: LabCorp Variant Classification Summary - May 2015. Collection method: clinical testing. Allele origin: germline.
Comment: Variant summary: UBTF c.1506C>G alters a conserved nucleotide resulting in a synonymous change. Consensus agreement among computation tools predict no significant impact on normal splicing. However, these predictions have yet to be confirmed by functional studies. The variant allele was found at a frequency of 3.6e-05 in 251458 control chromosomes. The available data on variant occurrences in the general population are insufficient to allow any conclusion about variant significance. To our knowledge, no occurrence of c.1506C>G in individuals affected with UBTF-related conditions and no experimental evidence demonstrating its impact on protein function have been reported. No submitters have cited clinical-significance assessments for this variant to ClinVar. Based on the evidence outlined above, the variant was classified as likely benign.